The following is an entry in ClinVar:

ClinVar aggregate classification (germline): Benign (1 of 4 stars; one submission).

Conditions:
Cleft lip/palate-ectodermal dysplasia syndrome (CLPED1). Also called: ECTODERMAL DYSPLASIA, CLEFT LIP AND PALATE, MENTAL RETARDATION, AND SYNDACTYLY; ECTODERMAL DYSPLASIA, MARGARITA ISLAND TYPE; ECTODERMAL DYSPLASIA, TYPE 4; Zlotogora syndrome; ZLOTOGORA-OGUR SYNDROME. Identifiers: Orphanet 3253, MedGen C2931488, MONDO:0009151, OMIM 225060.

Allele frequency attached by ClinVar (database versions not stated): gnomAD exomes 0.00162; 1000 Genomes Project 0.02037; 1000 Genomes Project 30x 0.02077; gnomAD 0.02222 and 0.02390; TOPMed 0.02510.
gnomAD v4.1: 4,771 of 987,070 alleles (0.48%); highest among the groups gnomAD compares: African/African-American, 7.6%; 177 homozygotes.

Submission:

Illumina Laboratory Services, Illumina
Classification: Benign for Cleft lip/palate-ectodermal dysplasia syndrome. Last evaluated: 2017-10-17. Review status: criteria provided, single submitter. Criteria: ICSL Variant Classification Criteria 13 December 2019. Collection method: clinical testing. Allele origin: germline.
Comment: This variant was observed as part of a predisposition screen in an ostensibly healthy population. A literature search was performed for the gene, cDNA change, and amino acid change (where applicable). No publications were found based on this search. Allele frequency data from public databases was too high to be consistent with this variant causing disease. Therefore, this variant is classified as benign.

NM_002855.5(NECTIN1):c.*537C>T

Gene: NECTIN1 (nectin cell adhesion molecule 1; minus strand). Cytogenetic location: 11q23.3.
Variant type: single nucleotide variant.
Coding change: c.*537C>T on transcript NM_002855.5 (MANE Select); 537 bases downstream of the stop codon, C replaced by T.
Molecular consequence: 3 prime UTR variant. On other transcripts: intron variant (1).
Genome position (GRCh38, 1-based): chr11:119,664,210, G>A on the plus strand (C>T on the coding strand, the complement: NECTIN1 is on the minus strand). VCF-style: chr11-119664210-G-A. GRCh37 (hg19) VCF-style: chr11-119534920-G-A.
Other names: c.1003+10949C>T (NM_203285.2).
Identifiers: ClinVar variation 878971 (VCV000878971.5), dbSNP rs114119887, ClinGen allele CA15688506.
Genomic context (GRCh38, chr11:119,664,210, plus strand): 5'-AACAAACAAGACTCCCTGGGAACTGGGGAGAAGCCGCACCCCTCCCCCTACCTCTTGGGC[G>A]CACCAGCTGTCTAGACCCAAGGTCCAAACTCCCAGCTGCATCAGATTTCACTGGTGGGTG-3'